The following is an entry in ClinVar:

ClinVar aggregate classification (germline): Uncertain significance (1 of 4 stars; one submission).

gnomAD v4.1: 3 of 1,209,251 alleles (0.00025%); highest among the groups gnomAD compares: Non-Finnish European, 0.00034%; no homozygotes.

Submission:

GeneDx
Classification: Uncertain significance. Last evaluated: 2025-04-21. Review status: criteria provided, single submitter. Criteria: GeneDx Variant Classification Process June 2021. Collection method: clinical testing. Allele origin: germline. Affected: yes.
Comment: In silico analysis supports that this missense variant has a deleterious effect on protein structure/function; Has not been previously published as pathogenic or benign to our knowledge

NM_021120.4(DLG3):c.1154G>A (p.Arg385His)

Genes: DLG3 (discs large MAGUK scaffold protein 3; plus strand), DLG3-AS1 (DLG3 antisense RNA 1; minus strand). Cytogenetic location: Xq13.1.
Variant type: single nucleotide variant.
Coding change: c.1154G>A on transcript NM_021120.4 (MANE Select); coding-DNA position 1154, G replaced by A.
Protein change: p.Arg385His; replaces arginine 385 with histidine.
Molecular consequence: missense variant.
Genome position (GRCh38, 1-based): chrX:70,453,645, G>A. VCF-style: chrX-70453645-G-A. GRCh37 (hg19) VCF-style: chrX-69673495-G-A.
Other names: c.143G>A, p.Arg48His (NM_020730.3); short protein forms R385H, R48H.
Identifiers: ClinVar variation 4527262 (VCV004527262.1).
Genomic context (GRCh38, chrX:70,453,645, plus strand): 5'-GACAACAGTCCATATCTACCTAGTCCTGACTCCTCCACTCCTTTCCCACCAGAGAGCCTC[G>A]CAAGATCATCCTGCACAAAGGCTCCACAGGCCTGGGCTTCAACATCGTAGGAGGAGAGGA-3'
Protein context (NP_066943.2, residues 375-395): LAEEDFTREP[Arg385His]KIILHKGSTG